The following is an entry in ClinVar:

NM_001199397.3(NEK1):c.3451G>A (p.Glu1151Lys)

Gene: NEK1 (NIMA related kinase 1; minus strand). Cytogenetic location: 4q33.
Variant type: single nucleotide variant.
Coding change: c.3451G>A on transcript NM_001199397.3 (MANE Select); coding-DNA position 3451, G replaced by A.
Protein change: p.Glu1151Lys; replaces glutamic acid 1151 with lysine.
Molecular consequence: missense variant. On other transcripts: non-coding transcript variant (1).
Genome position (GRCh38, 1-based): chr4:169,401,784, C>T on the plus strand (G>A on the coding strand, the complement: NEK1 is on the minus strand). VCF-style: chr4-169401784-C-T. GRCh37 (hg19) VCF-style: chr4-170322935-C-T.
Other names: c.3319G>A, p.Glu1107Lys (NM_001199398.3); c.3160G>A, p.Glu1054Lys (NM_001199399.3); c.3235G>A, p.Glu1079Lys (NM_001199400.3); c.3451G>A, p.Glu1151Lys (NM_001374418.1); c.3367G>A, p.Glu1123Lys (NM_001374419.1, NM_012224.4); c.3316G>A, p.Glu1106Lys (NM_001374420.1); c.2968G>A, p.Glu990Lys (NM_001374421.1); short protein forms E1123K, E1151K, E1054K, E1079K, E1107K, E1106K, E990K.
Identifiers: ClinVar variation 423713 (VCV000423713.50), dbSNP rs1064796596, ClinGen allele CA16618037.
Genomic context (GRCh38, chr4:169,401,784, plus strand): 5'-TTGCAGTTGGCTCCACATCACTGTTCTTCAAGACTGACTCTTCTTCTTCACTGTATTCTT[C>T]ACCAGGTTGTTCCCTAAGTAACTGTTCCATCGAGGCCTGCAGCTCTTGTAAATCTGTGTC-3'
Protein context (NP_001186326.1, residues 1141-1161): MEQLLREQPG[Glu1151Lys]EYSEEEESVL

ClinVar aggregate classification (germline): Uncertain significance. Review status: criteria provided, multiple submitters, no conflicts (2 of 4 stars). 4 submissions from 4 submitters: Uncertain significance (4). Last evaluated 2025-08-29.

Conditions:
Short-rib thoracic dysplasia 6 with or without polydactyly (SRTD6). Also called: SHORT RIB-POLYDACTYLY SYNDROME, TYPE IIA; POLYDACTYLY WITH NEONATAL CHONDRODYSTROPHY, TYPE II; SHORT-RIB THORACIC DYSPLASIA 6 WITH POLYDACTYLY; SHORT-RIB THORACIC DYSPLASIA 6 WITHOUT POLYDACTYLY; Majewski Syndrome. Identifiers: MedGen C0024507, MONDO:0009894, OMIM 263520.

Allele frequency attached by ClinVar (database versions not stated): gnomAD exomes below 0.00001.
gnomAD v4.1: 8 of 1,613,866 alleles (0.0005%); highest among the groups gnomAD compares: Middle Eastern, 0.049%; no homozygotes.

Submissions (4):

Labcorp Genetics (formerly Invitae), Labcorp
Classification: Uncertain significance for Short-rib thoracic dysplasia 6 with or without polydactyly. Last evaluated: 2025-08-29. Review status: criteria provided, single submitter. Criteria: Invitae Variant Classification Sherloc (09022015). Collection method: clinical testing. Allele origin: germline.
Comment: This sequence change replaces glutamic acid, which is acidic and polar, with lysine, which is basic and polar, at codon 1123 of the NEK1 protein (p.Glu1123Lys). This variant is not present in population databases (gnomAD no frequency). This variant has not been reported in the literature in individuals affected with NEK1-related conditions. ClinVar contains an entry for this variant (Variation ID: 423713). Invitae Evidence Modeling of protein sequence and biophysical properties (such as structural, functional, and spatial information, amino acid conservation, physicochemical variation, residue mobility, and thermodynamic stability) indicates that this missense variant is not expected to disrupt NEK1 protein function with a negative predictive value of 80%. In summary, the available evidence is currently insufficient to determine the role of this variant in disease. Therefore, it has been classified as a Variant of Uncertain Significance.

CeGaT Center for Human Genetics Tuebingen
Classification: Uncertain significance. Last evaluated: 2018-11-01. Review status: criteria provided, single submitter. Criteria: CeGaT Center For Human Genetics Tuebingen Variant Classification Criteria Version 2. Collection method: clinical testing. Allele origin: germline. Affected: yes. Observed: 2 variant alleles.

Illumina Laboratory Services, Illumina
Classification: Uncertain significance for Short-rib thoracic dysplasia 6 with or without polydactyly. Last evaluated: 2018-01-13. Review status: criteria provided, single submitter. Criteria: ICSL Variant Classification Criteria 13 December 2019. Collection method: clinical testing. Allele origin: germline.

GeneDx
Classification: Uncertain significance. Last evaluated: 2017-02-17. Review status: criteria provided, single submitter. Criteria: GeneDx Variant Classification (06012015). Collection method: clinical testing. Allele origin: germline. Affected: yes.
Comment: The E1123K variant has not been published as a pathogenic variant, nor has it been reported as a benign variant to our knowledge. The E1123K variant was not observed in approximately 6200 individuals of European and African American ancestry in the NHLBI Exome Sequencing Project, indicating it is not a common benign variant in these populations. The E1123K variant is a non-conservative amino acid substitution, which is likely to impact secondary protein structure as these residues differ in polarity, charge, size and/or other properties. This substitution occurs at a position that is conserved across species. In silico analysis is inconsistent in its predictions as to whether or not the variant is damaging to the protein structure/function. Therefore, based on the currently available information, it is unclear whether this variant is a pathogenic variant or a rare benign variant.